The following is an entry in ClinVar:

ClinVar aggregate classification (germline): Uncertain significance (1 of 4 stars; one submission).

Conditions:
Emery-Dreifuss muscular dystrophy 5, autosomal dominant (EDMD5). Also called: EMERY-DREIFUSS MUSCULAR DYSTROPHY 5. Identifiers: Orphanet 261, MedGen C2751805, MONDO:0013072, OMIM 612999.

Submission:

Labcorp Genetics (formerly Invitae), Labcorp
Classification: Uncertain significance for Emery-Dreifuss muscular dystrophy 5, autosomal dominant. Last evaluated: 2024-06-17. Review status: criteria provided, single submitter. Criteria: Invitae Variant Classification Sherloc (09022015). Collection method: clinical testing. Allele origin: germline.
Comment: This sequence change replaces threonine, which is neutral and polar, with alanine, which is neutral and non-polar, at codon 3332 of the SYNE2 protein (p.Thr3332Ala). This variant is not present in population databases (gnomAD no frequency). This variant has not been reported in the literature in individuals affected with SYNE2-related conditions. ClinVar contains an entry for this variant (Variation ID: 1441938). An algorithm developed to predict the effect of missense changes on protein structure and function (PolyPhen-2) suggests that this variant is likely to be disruptive. In summary, the available evidence is currently insufficient to determine the role of this variant in disease. Therefore, it has been classified as a Variant of Uncertain Significance.

NM_182914.3(SYNE2):c.9994A>G (p.Thr3332Ala)

Gene: SYNE2 (spectrin repeat containing nuclear envelope protein 2; plus strand). Cytogenetic location: 14q23.2.
Variant type: single nucleotide variant.
Coding change: c.9994A>G on transcript NM_182914.3 (MANE Select); coding-DNA position 9994, A replaced by G.
Protein change: p.Thr3332Ala; replaces threonine 3332 with alanine.
Molecular consequence: missense variant.
Genome position (GRCh38, 1-based): chr14:64,056,193, A>G. VCF-style: chr14-64056193-A-G. GRCh37 (hg19) VCF-style: chr14-64522911-A-G.
Other names: c.9994A>G, p.Thr3332Ala (NM_015180.6); short protein forms T3332A.
Identifiers: ClinVar variation 1441938 (VCV001441938.8), dbSNP rs2153580640, ClinGen allele CA389988075.